The following is an entry in ClinVar:

NM_004655.4(AXIN2):c.2141+5G>A

Gene: AXIN2 (axin 2; minus strand). Cytogenetic location: 17q24.1.
Variant type: single nucleotide variant.
Coding change: c.2141+5G>A on transcript NM_004655.4 (MANE Select); 5 bases into the intron after coding-DNA position 2141, G replaced by A.
Molecular consequence: intron variant.
Genome position (GRCh38, 1-based): chr17:65,536,315, C>T on the plus strand (G>A on the coding strand, the complement: AXIN2 is on the minus strand). VCF-style: chr17-65536315-C-T. GRCh37 (hg19) VCF-style: chr17-63532433-C-T.
Other names: c.1946+5G>A (NM_001363813.1); c.2141+5G>A (LRG_296t1).
Identifiers: ClinVar variation 464596 (VCV000464596.16), dbSNP rs769868369, ClinGen allele CA8718403.

ClinVar aggregate classification (germline): Uncertain significance. Review status: criteria provided, multiple submitters, no conflicts (2 of 4 stars). 4 submissions from 4 submitters: Uncertain significance (4). Last evaluated 2025-10-22.

Conditions:
Oligodontia-cancer predisposition syndrome. Also called: TOOTH AGENESIS-COLORECTAL CANCER SYNDROME. Identifiers: Orphanet 300576, MedGen C1837750, MONDO:0012075, OMIM 608615. Disease mechanism: loss of function.
Hereditary cancer-predisposing syndrome. Also called: Neoplastic Syndromes, Hereditary; Tumor predisposition; Hereditary neoplastic syndrome; Hereditary Cancer Syndrome. Identifiers: Orphanet 140162, MedGen C0027672, MeSH D009386, MONDO:0015356.

Allele frequency attached by ClinVar (database versions not stated): ExAC 0.00002; gnomAD 0.00001; gnomAD exomes below 0.00001 and 0.00002.

Submissions (4):

Ambry Genetics
Classification: Uncertain significance for Hereditary cancer-predisposing syndrome. Last evaluated: 2025-10-22. Review status: criteria provided, single submitter. Criteria: Ambry Variant Classification Scheme 2023. Collection method: clinical testing. Allele origin: germline.
Comment: The c.2141+5G>A intronic variant results from a G to A substitution 5 nucleotides after coding exon 7 in the AXIN2 gene. This nucleotide position is not well conserved in available vertebrate species. In silico splice site analysis predicts that this alteration may weaken the native splice donor site and will result in the creation or strengthening of a novel splice donor site; however, direct evidence is insufficient at this time (Ambry internal data). Since supporting evidence is limited at this time, the clinical significance of this alteration remains unclear.

Labcorp Genetics (formerly Invitae), Labcorp
Classification: Uncertain significance for Oligodontia-cancer predisposition syndrome. Last evaluated: 2025-08-28. Review status: criteria provided, single submitter. Criteria: Invitae Variant Classification Sherloc (09022015). Collection method: clinical testing. Allele origin: germline.
Comment: This sequence change falls in intron 8 of the AXIN2 gene. It does not directly change the encoded amino acid sequence of the AXIN2 protein. It affects a nucleotide within the consensus splice site. This variant is present in population databases (rs769868369, gnomAD 0.006%). This variant has not been reported in the literature in individuals affected with AXIN2-related conditions. ClinVar contains an entry for this variant (Variation ID: 464596). Variants that disrupt the consensus splice site are a relatively common cause of aberrant splicing (PMID: 17576681, 9536098). Studies have shown that this variant is associated with altered splicing resulting in multiple RNA products (internal data). In summary, the available evidence is currently insufficient to determine the role of this variant in disease. Therefore, it has been classified as a Variant of Uncertain Significance.

GeneDx
Classification: Uncertain significance. Last evaluated: 2024-04-24. Review status: criteria provided, single submitter. Criteria: GeneDx Variant Classification Process June 2021. Collection method: clinical testing. Allele origin: germline.
Comment: Not observed at significant frequency in large population cohorts (gnomAD); In silico analysis supports a deleterious effect on splicing; Has not been previously published as pathogenic or benign to our knowledge; This variant is associated with the following publications: (PMID: 15735151)

Women's Health and Genetics/Laboratory Corporation of America, LabCorp
Classification: Uncertain significance. Last evaluated: 2023-07-05. Review status: criteria provided, single submitter. Criteria: LabCorp Variant Classification Summary - May 2015. Collection method: clinical testing. Allele origin: germline.

Literature cited by the submitters: PubMed 17576681 (cited by Labcorp Genetics (formerly Invitae), Labcorp); PubMed 9536098 (cited by Labcorp Genetics (formerly Invitae), Labcorp).